The following is an entry in ClinVar:

ClinVar aggregate classification (germline): Uncertain significance (1 of 4 stars; one submission).

Conditions:
Amyotrophic lateral sclerosis type 1 (ALS1). Also called: AMYOTROPHIC LATERAL SCLEROSIS 1, FAMILIAL. Identifiers: Orphanet 803, MedGen C1862939, MONDO:0007103, OMIM 105400.
Neuronopathy, distal hereditary motor, type 7B. Also called: HMN VIIB; LOWER MOTOR NEURON DISEASE, DYNACTIN TYPE; Distal Hereditary Motor Neuronopathy Type 7B (dHMN7B); NEURONOPATHY, DISTAL HEREDITARY MOTOR, AUTOSOMAL DOMINANT 14; NEURONOPATHY, DISTAL HEREDITARY MOTOR, HARDING TYPE VIIB; NEUROPATHY, DISTAL HEREDITARY MOTOR, HARDING TYPE VIIB. Identifiers: Orphanet 139589, MedGen C1843315, MONDO:0011879, OMIM 607641.
Perry syndrome. Also called: PARKINSONISM WITH ALVEOLAR HYPOVENTILATION AND MENTAL DEPRESSION. Identifiers: Orphanet 178509, MedGen C1868594, MONDO:0008201, OMIM 168605.

Allele frequency attached by ClinVar (database versions not stated): gnomAD below 0.00001 and 0.00001; ExAC 0.00001; gnomAD exomes 0.00001; TOPMed 0.00001.

Submission:

Labcorp Genetics (formerly Invitae), Labcorp
Classification: Uncertain significance for Amyotrophic lateral sclerosis type 1; Neuronopathy, distal hereditary motor, type 7B; Perry syndrome. Last evaluated: 2025-01-05. Review status: criteria provided, single submitter. Criteria: Invitae Variant Classification Sherloc (09022015). Collection method: clinical testing. Allele origin: germline.
Comment: This sequence change replaces arginine, which is basic and polar, with glutamine, which is neutral and polar, at codon 1006 of the DCTN1 protein (p.Arg1006Gln). This variant is present in population databases (rs752882353, gnomAD 0.006%). This variant has not been reported in the literature in individuals affected with DCTN1-related conditions. ClinVar contains an entry for this variant (Variation ID: 536147). Invitae Evidence Modeling of protein sequence and biophysical properties (such as structural, functional, and spatial information, amino acid conservation, physicochemical variation, residue mobility, and thermodynamic stability) indicates that this missense variant is not expected to disrupt DCTN1 protein function with a negative predictive value of 95%. In summary, the available evidence is currently insufficient to determine the role of this variant in disease. Therefore, it has been classified as a Variant of Uncertain Significance.

NM_004082.5(DCTN1):c.3017G>A (p.Arg1006Gln)

Gene: DCTN1 (dynactin subunit 1; minus strand). Cytogenetic location: 2p13.1.
Variant type: single nucleotide variant.
Coding change: c.3017G>A on transcript NM_004082.5 (MANE Select); coding-DNA position 3017, G replaced by A.
Protein change: p.Arg1006Gln; replaces arginine 1006 with glutamine.
Molecular consequence: missense variant. On other transcripts: non-coding transcript variant (1).
Genome position (GRCh38, 1-based): chr2:74,365,527, C>T on the plus strand (G>A on the coding strand, the complement: DCTN1 is on the minus strand). VCF-style: chr2-74365527-C-T. GRCh37 (hg19) VCF-style: chr2-74592654-C-T.
Other names: c.2957G>A, p.Arg986Gln (NM_001135040.3); c.2615G>A, p.Arg872Gln (NM_001135041.3, NM_023019.4); c.2906G>A, p.Arg969Gln (NM_001190836.2); c.2996G>A, p.Arg999Gln (NM_001190837.2); c.2966G>A, p.Arg989Gln (NM_001378991.1); c.2948G>A, p.Arg983Gln (NM_001378992.1); short protein forms R872Q, R1006Q, R969Q, R986Q, R999Q, R983Q, R989Q.
Identifiers: ClinVar variation 536147 (VCV000536147.8), dbSNP rs752882353, ClinGen allele CA1721653.